The following is an entry in ClinVar:

NM_080680.3(COL11A2):c.67dup (p.Ala23fs)

Gene: COL11A2 (collagen type XI alpha 2 chain; minus strand). Cytogenetic location: 6p21.32.
Variant type: Duplication.
Coding change: c.67dup on transcript NM_080680.3 (MANE Select); coding-DNA position 67, one base duplicated (G; older notation c.67dupG).
Protein change: p.Ala23fs; shifts the reading frame from alanine 23.
Molecular consequence: frameshift variant.
Genome position (GRCh38, 1-based): chr6:33,192,174, C duplicated on the plus strand (G on the coding strand, the reverse complement: COL11A2 is on the minus strand); the first of 2 consecutive C bases (chr6:33,192,174-33,192,175); duplicating either gives the same sequence. VCF-style (leftmost placement, unchanged base first): chr6-33192173-G-GC. GRCh37 (hg19) VCF-style: chr6-33159950-G-GC.
Other names: c.67dupG (NM_080680.3); c.67dup, p.Ala23fs (NM_001163771.2, NM_080679.3, NM_080681.3); short protein forms A23fs.
Identifiers: ClinVar variation 802200 (VCV000802200.3), dbSNP rs1583394539, ClinGen allele CA915944208.

ClinVar aggregate classification (germline): Pathogenic. Review status: criteria provided, multiple submitters, no conflicts (2 of 4 stars). 2 submissions from 2 submitters: Pathogenic (2). Last evaluated 2021-07-09.

Conditions:
Otospondylomegaepiphyseal dysplasia, autosomal recessive (OSMEDB). Also called: CHONDRODYSTROPHY WITH SENSORINEURAL DEAFNESS; Insley-Astley syndrome. Identifiers: Orphanet 1427, MedGen CN034493, MONDO:0044206, OMIM 215150.

Submissions (2):

Laboratorio de Genetica e Diagnostico Molecular, Hospital Israelita Albert Einstein
Classification: Pathogenic. Last evaluated: 2021-07-09. Review status: criteria provided, single submitter. Criteria: ACMG Guidelines, 2015. Collection method: clinical testing. Allele origin: germline. Affected: yes.
Comment: ACMG classification criteria: PVS1, PS4, PM2

Mendelics
Classification: Pathogenic for Otospondylomegaepiphyseal dysplasia, autosomal recessive. Last evaluated: 2019-05-28. Review status: criteria provided, single submitter. Criteria: Mendelics Assertion Criteria 2017. Collection method: clinical testing. Allele origin: unknown.